The following is an entry in ClinVar:

ClinVar aggregate classification (germline): Likely benign. Review status: criteria provided, multiple submitters, no conflicts (2 of 4 stars). 5 submissions from 5 submitters: Likely benign (4). 1 of the submissions does not count toward it. Last evaluated 2025-10-24.

Conditions:
Episodic ataxia type 2 (EA2). Also called: ATAXIA, EPISODIC, WITH NYSTAGMUS; ATAXIA, FAMILIAL PAROXYSMAL; CEREBELLAR ATAXIA, PAROXYSMAL, ACETAZOLAMIDE-RESPONSIVE; CEREBELLOPATHY, HEREDITARY PAROXYSMAL; EPISODIC ATAXIA, NYSTAGMUS-ASSOCIATED; ACETAZOLAMIDE-RESPONSIVE HEREDITARY PAROXYSMAL CEREBELLAR ATAXIA. Identifiers: Orphanet 97, MedGen C1720416, MONDO:0007163, OMIM 108500.
Developmental and epileptic encephalopathy, 42 (DEE42A). Also called: DEVELOPMENTAL AND EPILEPTIC ENCEPHALOPATHY 42A; EPILEPTIC ENCEPHALOPATHY, EARLY INFANTILE, 42A; Epileptic encephalopathy, early infantile, 42. Identifiers: MedGen C4310716, MONDO:0014917, OMIM 617106.
Inborn genetic diseases. Identifiers: MedGen C0950123, MeSH D030342.
CACNA1A-related disorder. Also called: CACNA1A-related condition.

Allele frequency attached by ClinVar (database versions not stated): ExAC 0.00002; gnomAD exomes 0.00002 and 0.00007; TOPMed 0.00005; gnomAD 0.00006; ESP Exome Variant Server 0.00017.
gnomAD v4.1: 115 of 1,590,546 alleles (0.0072%); highest among the groups gnomAD compares: Non-Finnish European, 0.0091%; no homozygotes.

Submissions (5):

Labcorp Genetics (formerly Invitae), Labcorp
Classification: Likely benign for Developmental and epileptic encephalopathy, 42; Episodic ataxia type 2. Last evaluated: 2025-10-24. Review status: criteria provided, single submitter. Criteria: Invitae Variant Classification Sherloc (09022015). Collection method: clinical testing. Allele origin: germline.

GeneDx
Classification: Likely benign. Last evaluated: 2021-09-10. Review status: criteria provided, single submitter. Criteria: GeneDx Variant Classification Process June 2021. Collection method: clinical testing. Allele origin: germline. Affected: yes.

Blueprint Genetics
Classification: Likely benign. Last evaluated: 2021-06-14. Review status: criteria provided, single submitter. Criteria: ACMG Guidelines, 2015. Collection method: clinical testing. Allele origin: germline.

Ambry Genetics
Classification: Likely benign for Inborn genetic diseases. Last evaluated: 2017-05-31. Review status: criteria provided, single submitter. Criteria: Ambry Variant Classification Scheme 2023. Collection method: clinical testing. Allele origin: germline.

PreventionGenetics, part of Exact Sciences
Classification: Likely benign for CACNA1A-related condition. Last evaluated: 2019-07-12. Review status: no assertion criteria provided. Collection method: clinical testing. Allele origin: germline. Not counted in ClinVar's aggregate classification.
Comment: This variant is classified as likely benign based on ACMG/AMP sequence variant interpretation guidelines (Richards et al. 2015 PMID: 25741868, with internal and published modifications).

NM_001127222.2(CACNA1A):c.1593C>T (p.Ser531=)

Gene: CACNA1A (calcium voltage-gated channel subunit alpha1 A; minus strand). Cytogenetic location: 19p13.13.
Variant type: single nucleotide variant.
Coding change: c.1593C>T on transcript NM_001127222.2 (MANE Select); coding-DNA position 1593, C replaced by T.
Protein change: p.Ser531=; no amino-acid change (serine 531 retained).
Molecular consequence: synonymous variant.
Genome position (GRCh38, 1-based): chr19:13,312,744, G>A on the plus strand (C>T on the coding strand, the complement: CACNA1A is on the minus strand). VCF-style: chr19-13312744-G-A. GRCh37 (hg19) VCF-style: chr19-13423558-G-A.
Other names: c.1596C>T, p.Ser532= (NM_000068.4, NM_001127221.2, NM_001174080.2 and 1 more transcripts); c.1593C>T (NM_001127222.1).
Identifiers: ClinVar variation 511113 (VCV000511113.23), dbSNP rs372090886, ClinGen allele CA9240778.